The following is an entry in ClinVar:

ClinVar aggregate classification (germline): Pathogenic/Likely pathogenic. Review status: criteria provided, multiple submitters, no conflicts (2 of 4 stars). 10 submissions from 10 submitters: Pathogenic (5); Likely pathogenic (4). 1 of the submissions does not count toward it. Last evaluated 2026-07-07.

Conditions:
Steroid-resistant nephrotic syndrome. Identifiers: MedGen C0403397, MONDO:0044765, HP:0012588.
Idiopathic nephrotic syndrome. Also called: Nephrotic syndrome, idiopathic, steroid-resistant. Identifiers: Orphanet 357502, MedGen C3496337, MONDO:0018170.
Nephrotic syndrome, type 2 (NPHS2). Also called: NEPHROTIC SYNDROME, STEROID-RESISTANT, AUTOSOMAL RECESSIVE. Identifiers: Orphanet 656, MedGen C1868672, MONDO:0010974, OMIM 600995.
NPHS2-related disorder. Also called: NPHS2-related condition.

Allele frequency attached by ClinVar (database versions not stated): gnomAD exomes below 0.00001; ExAC 0.00001; TOPMed 0.00004.
gnomAD v4.1: 20 of 1,613,992 alleles (0.0012%); highest among the groups gnomAD compares: African/African-American, 0.0027%; no homozygotes.

Submissions (10):

Medgenome Labs Ltd
Classification: Pathogenic for Nephrotic syndrome, type 2. Last evaluated: 2026-07-07. Review status: criteria provided, single submitter. Criteria: ACMG Guidelines, 2015. Collection method: clinical testing. Allele origin: germline. Affected: yes.

Natera, Inc.
Classification: Likely pathogenic for Steroid-resistant nephrotic syndrome. Last evaluated: 2024-09-26. Review status: criteria provided, single submitter. Criteria: Natera Variant Classification Schema (03/2026). Collection method: clinical testing. Allele origin: germline.
Comment: The c.964C>T variant in NPHS2 is a nonsense variant predicted to introduce a stop codon at amino acid 322. This variant is expected to result in nonsense mediated decay, truncation, or a dysfunctional protein product. This variant is rare in the general population with a frequency below the threshold expected for the associated phenotype(s). This variant has been observed in one or more individuals affected with the associated recessive disease, as either homozygous or compound heterozygous with a second variant (PMID: 38765578). Given the available evidence, this variant is classified as Likely Pathogenic.

Baylor Genetics
Classification: Likely pathogenic for Nephrotic syndrome, type 2. Last evaluated: 2023-11-20. Review status: criteria provided, single submitter. Criteria: ACMG Guidelines, 2015. Collection method: clinical testing. Allele origin: unknown.

Genome-Nilou Lab
Classification: Likely pathogenic for Nephrotic syndrome, type 2. Last evaluated: 2023-04-11. Review status: criteria provided, single submitter. Criteria: ACMG Guidelines, 2015. Collection method: clinical testing. Allele origin: germline. Affected: no.

Women's Health and Genetics/Laboratory Corporation of America, LabCorp
Classification: Likely pathogenic for Idiopathic nephrotic syndrome. Last evaluated: 2023-03-09. Review status: criteria provided, single submitter. Criteria: LabCorp Variant Classification Summary - May 2015. Collection method: clinical testing. Allele origin: germline.
Comment: Variant summary: NPHS2 c.964C>T (p.Arg322X) results in a premature termination codon, predicted to cause a truncation of the encoded protein or absence of the protein due to nonsense mediated decay, which are commonly known mechanisms for disease. Truncations downstream of this position have been associated with Nephrotic Syndrome in HGMD. The variant allele was found at a frequency of 4e-06 in 251370 control chromosomes. c.964C>T has been reported in the literature in one individual affected with sporadic steroid-resistant nephrotic syndrome (Weber_2004). These data do not allow any conclusion about variant significance. To our knowledge, no experimental evidence demonstrating an impact on protein function has been reported. Three clinical diagnostic laboratories have submitted clinical-significance assessments for this variant to ClinVar after 2014 without evidence for independent evaluation. All laboratories classified the variant as pathogenic (n=2) and likely pathogenic (n=1). Based on the evidence outlined above, the variant was classified as likely pathogenic.

Labcorp Genetics (formerly Invitae), Labcorp
Classification: Pathogenic. Last evaluated: 2022-02-02. Review status: criteria provided, single submitter. Criteria: Invitae Variant Classification Sherloc (09022015). Collection method: clinical testing. Allele origin: germline.
Comment: For these reasons, this variant has been classified as Pathogenic. This variant disrupts a region of the NPHS2 protein in which other variant(s) (p.Phe344Leufs*4) have been determined to be pathogenic (PMID: 23515051, 29660491; Invitae). This suggests that this is a clinically significant region of the protein, and that variants that disrupt it are likely to be disease-causing. ClinVar contains an entry for this variant (Variation ID: 371673). This premature translational stop signal has been observed in individual(s) with steroid-resistant nephrotic syndrome (PMID: 15253708). This variant is present in population databases (rs763818901, gnomAD 0.003%). This sequence change creates a premature translational stop signal (p.Arg322*) in the NPHS2 gene. While this is not anticipated to result in nonsense mediated decay, it is expected to disrupt the last 62 amino acid(s) of the NPHS2 protein.

Fulgent Genetics
Classification: Pathogenic for Nephrotic syndrome, type 2. Last evaluated: 2021-06-30. Review status: criteria provided, single submitter. Criteria: ACMG Guidelines, 2015. Collection method: clinical testing. Allele origin: unknown.
Comment: This variant has been detected in individual(s) who were sent for testing of Renasight - kidney gene panel.

Blueprint Genetics
Classification: Pathogenic for NPHS2-related disorders. Last evaluated: 2018-08-22. Review status: criteria provided, single submitter. Criteria: ACMG Guidelines, 2015. Collection method: clinical testing. Allele origin: germline. Affected: yes. Observed: 1 variant allele.

Neuberg Centre For Genomic Medicine, NCGM
Classification: Pathogenic for Nephrotic syndrome, type 2. Review status: criteria provided, single submitter. Criteria: ACMG Guidelines, 2015. Collection method: clinical testing. Allele origin: germline. Inheritance: Autosomal recessive inheritance. Affected: yes.
Comment: The observed stop gained variant c.964C>T(p.Arg322Ter) in NPHS2 gene has been reported in compound heteroygous state in an individual with steroid-resistant nephrotic syndrome (Weber S, et al., 2004). This variant disrupts a region of the NPHS2 protein in which other variant(s) (p.Phe344Leufs*4) have been determined to be pathogenic (Lipska BS, et al., 2013). The c.964C>T(p.Arg322Ter) variant is reported with 0.0004% allele frequency in gnomAD Exomes. This variant has been reported to the ClinVar database as Pathogenic/Likely Pathogenic. The nucleotide change c.964C>T in NPHS2 is predicted as conserved by GERP++ and PhyloP across 100 vertebrates. Computational evidence (Mutation Taster - Disease causing) predicts damaging effect on protein structure and function for this variant.This variant is predicted to cause loss of normal protein function through protein truncation. Loss of function variants have been previously reported to be disease causing. For these reasons, this variant has been classified as Pathogenic

Counsyl
Classification: Likely pathogenic for Nephrotic syndrome, type 2. Last evaluated: 2016-11-14. Review status: no assertion criteria provided. Collection method: clinical testing. Allele origin: unknown. Not counted in ClinVar's aggregate classification.

Literature cited by the submitters: PubMed 38765578 (cited by Natera, Inc.); PubMed 24227627 (cited by Women's Health and Genetics/Laboratory Corporation of America, LabCorp); PubMed 15253708 (cited by 3 submitters); PubMed 15817495 (cited by Women's Health and Genetics/Laboratory Corporation of America, LabCorp); PubMed 30013592 (cited by Women's Health and Genetics/Laboratory Corporation of America, LabCorp); PubMed 23515051 (cited by Labcorp Genetics (formerly Invitae), Labcorp); PubMed 29660491 (cited by Labcorp Genetics (formerly Invitae), Labcorp).

NM_014625.4(NPHS2):c.964C>T (p.Arg322Ter)

Genes: AXDND1 (axonemal dynein light chain domain containing 1; plus strand), NPHS2 (NPHS2 stomatin family member, podocin; minus strand). Cytogenetic location: 1q25.2.
Variant type: single nucleotide variant.
Coding change: c.964C>T on transcript NM_014625.4 (MANE Select); coding-DNA position 964, C replaced by T.
Protein change: p.Arg322Ter; replaces arginine 322 with a stop codon.
Molecular consequence: nonsense. On other transcripts: intron variant (1).
Genome position (GRCh38, 1-based): chr1:179,551,361, G>A on the plus strand (C>T on the coding strand, the complement: NPHS2 is on the minus strand). VCF-style: chr1-179551361-G-A. GRCh37 (hg19) VCF-style: chr1-179520496-G-A.
Other names: c.760C>T, p.Arg254Ter (NM_001297575.2); c.3032-3151G>A (NM_144696.6); short protein forms R322*, R254*.
Identifiers: ClinVar variation 371673 (VCV000371673.20), dbSNP rs763818901, ClinGen allele CA1267053.